The following is an entry in ClinVar:

NM_000492.4(CFTR):c.227G>T (p.Cys76Phe)

Gene: CFTR (CF transmembrane conductance regulator; plus strand). Cytogenetic location: 7q31.2.
Variant type: single nucleotide variant.
Coding change: c.227G>T on transcript NM_000492.4 (MANE Select); coding-DNA position 227, G replaced by T.
Protein change: p.Cys76Phe; replaces cysteine 76 with phenylalanine.
Molecular consequence: missense variant.
Genome position (GRCh38, 1-based): chr7:117,509,096, G>T. VCF-style: chr7-117509096-G-T. GRCh37 (hg19) VCF-style: chr7-117149150-G-T.
Other names: short protein forms C76F.
Identifiers: ClinVar variation 2118701 (VCV002118701.5), dbSNP rs2484975440, ClinGen allele CA368972217.
Genomic context (GRCh38, chr7:117,509,096, plus strand): 5'-AATGGGATAGAGAGCTGGCTTCAAAGAAAAATCCTAAACTCATTAATGCCCTTCGGCGAT[G>T]TTTTTTCTGGAGATTTATGTTCTATGGAATCTTTTTATATTTAGGGGTAAGGATCTCATT-3'
Protein context (NP_000483.3, residues 66-86): NPKLINALRR[Cys76Phe]FFWRFMFYGI

ClinVar aggregate classification (germline): Uncertain significance. Review status: criteria provided, multiple submitters, no conflicts (2 of 4 stars). 2 submissions from 2 submitters: Uncertain significance (2). Last evaluated 2026-07-11.

Conditions:
Cystic fibrosis (CF). Also called: MUCOVISCIDOSIS. Identifiers: Orphanet 586, MedGen C0010674, MONDO:0009061, OMIM 219700. Disease mechanism: loss of function.

Submissions (2):

Ambry Genetics
Classification: Uncertain significance for Cystic fibrosis. Last evaluated: 2026-07-11. Review status: criteria provided, single submitter. Criteria: Ambry Variant Classification Scheme 2023. Collection method: clinical testing. Allele origin: germline.
Comment: The p.C76F variant (also known as c.227G>T), located in coding exon 3 of the CFTR gene, results from a G to T substitution at nucleotide position 227. The cysteine at codon 76 is replaced by phenylalanine, an amino acid with highly dissimilar properties. This amino acid position is conserved. In addition, this alteration is predicted to be deleterious by in silico analysis. Based on the available evidence, the clinical significance of this variant remains unclear.

Labcorp Genetics (formerly Invitae), Labcorp
Classification: Uncertain significance for Cystic fibrosis. Last evaluated: 2022-03-28. Review status: criteria provided, single submitter. Criteria: Invitae Variant Classification Sherloc (09022015). Collection method: clinical testing. Allele origin: germline.
Comment: In summary, the available evidence is currently insufficient to determine the role of this variant in disease. Therefore, it has been classified as a Variant of Uncertain Significance. Algorithms developed to predict the effect of missense changes on protein structure and function are either unavailable or do not agree on the potential impact of this missense change (SIFT: "Deleterious"; PolyPhen-2: "Possibly Damaging"; Align-GVGD: "Class C0"). This variant has not been reported in the literature in individuals affected with CFTR-related conditions. This variant is not present in population databases (gnomAD no frequency). This sequence change replaces cysteine, which is neutral and slightly polar, with phenylalanine, which is neutral and non-polar, at codon 76 of the CFTR protein (p.Cys76Phe).